The following is an entry in ClinVar:

NM_024652.6(LRRK1):c.2958T>A (p.Asn986Lys)

Gene: LRRK1 (leucine rich repeat kinase 1; plus strand). Cytogenetic location: 15q26.3.
Variant type: single nucleotide variant.
Coding change: c.2958T>A on transcript NM_024652.6 (MANE Select); coding-DNA position 2958, T replaced by A.
Protein change: p.Asn986Lys; replaces asparagine 986 with lysine.
Molecular consequence: missense variant.
Genome position (GRCh38, 1-based): chr15:101,029,227, T>A. VCF-style: chr15-101029227-T-A. GRCh37 (hg19) VCF-style: chr15-101569432-T-A.
Other names: short protein forms N986K.
Identifiers: ClinVar variation 1504220 (VCV001504220.6), dbSNP rs2141105006, ClinGen allele CA393966677.

ClinVar aggregate classification (germline): Uncertain significance (1 of 4 stars; one submission).

Submission:

Labcorp Genetics (formerly Invitae), Labcorp
Classification: Uncertain significance. Last evaluated: 2024-10-15. Review status: criteria provided, single submitter. Criteria: Invitae Variant Classification Sherloc (09022015). Collection method: clinical testing. Allele origin: germline.
Comment: This sequence change replaces asparagine, which is neutral and polar, with lysine, which is basic and polar, at codon 986 of the LRRK1 protein (p.Asn986Lys). This variant is not present in population databases (gnomAD no frequency). This variant has not been reported in the literature in individuals affected with LRRK1-related conditions. ClinVar contains an entry for this variant (Variation ID: 1504220). An algorithm developed to predict the effect of missense changes on protein structure and function (PolyPhen-2) suggests that this variant is likely to be disruptive. In summary, the available evidence is currently insufficient to determine the role of this variant in disease. Therefore, it has been classified as a Variant of Uncertain Significance.